The following is an entry in ClinVar:

ClinVar aggregate classification (germline): Uncertain significance (1 of 4 stars; one submission).

Submission:

GeneDx
Classification: Uncertain significance. Last evaluated: 2019-07-31. Review status: criteria provided, single submitter. Criteria: GeneDx Variant Classification Process June 2021. Collection method: clinical testing. Allele origin: germline. Affected: yes.
Comment: Not observed in large population cohorts (Lek et al., 2016); In silico analysis, which includes protein predictors and evolutionary conservation, supports a deleterious effect; Has not been previously published as pathogenic or benign to our knowledge

NM_005982.4(SIX1):c.209T>G (p.Leu70Arg)

Gene: SIX1 (SIX homeobox 1; minus strand). Cytogenetic location: 14q23.1.
Variant type: single nucleotide variant.
Coding change: c.209T>G on transcript NM_005982.4 (MANE Select); coding-DNA position 209, T replaced by G.
Protein change: p.Leu70Arg; replaces leucine 70 with arginine.
Molecular consequence: missense variant.
Genome position (GRCh38, 1-based): chr14:60,648,981, A>C on the plus strand (T>G on the coding strand, the complement: SIX1 is on the minus strand). VCF-style: chr14-60648981-A-C. GRCh37 (hg19) VCF-style: chr14-61115699-A-C.
Other names: short protein forms L70R.
Identifiers: ClinVar variation 1303085 (VCV001303085.2), dbSNP rs2140241330, ClinGen allele CA389910803.
Genomic context (GRCh38, chr14:60,648,981, plus strand): 5'-GCCTTCAGCCACAGTTGCTGCAGTTTGGGGTGGTTGTGAGGCGAGAACTGGTGGCTCTCC[A>C]GGATCTTGTAGAGCTCACGGAAGTTGCCGCGGTGGAAGGCGACCACCGCCTTGGCCTTGA-3'
Protein context (NP_005973.1, residues 60-80): RGNFRELYKI[Leu70Arg]ESHQFSPHNH